The following is an entry in ClinVar:

NM_012120.3(CD2AP):c.898A>G (p.Ser300Gly)

Gene: CD2AP (CD2 associated protein; plus strand). Cytogenetic location: 6p12.3.
Variant type: single nucleotide variant.
Coding change: c.898A>G on transcript NM_012120.3 (MANE Select); coding-DNA position 898, A replaced by G.
Protein change: p.Ser300Gly; replaces serine 300 with glycine.
Molecular consequence: missense variant.
Genome position (GRCh38, 1-based): chr6:47,577,098, A>G. VCF-style: chr6-47577098-A-G. GRCh37 (hg19) VCF-style: chr6-47544834-A-G.
Other names: short protein forms S300G.
Identifiers: ClinVar variation 4747900 (VCV004747900.1).

ClinVar aggregate classification (germline): Uncertain significance (1 of 4 stars; one submission).

Submission:

Labcorp Genetics (formerly Invitae), Labcorp
Classification: Uncertain significance. Last evaluated: 2025-06-02. Review status: criteria provided, single submitter. Criteria: Invitae Variant Classification Sherloc (09022015). Collection method: clinical testing. Allele origin: germline.
Comment: This sequence change replaces serine, which is neutral and polar, with glycine, which is neutral and non-polar, at codon 300 of the CD2AP protein (p.Ser300Gly). This variant is not present in population databases (gnomAD no frequency). This variant has not been reported in the literature in individuals affected with CD2AP-related conditions. Invitae Evidence Modeling of protein sequence and biophysical properties (such as structural, functional, and spatial information, amino acid conservation, physicochemical variation, residue mobility, and thermodynamic stability) indicates that this missense variant is not expected to disrupt CD2AP protein function with a negative predictive value of 80%. Algorithms developed to predict the effect of sequence changes on RNA splicing suggest that this variant may disrupt the consensus splice site. In summary, the available evidence is currently insufficient to determine the role of this variant in disease. Therefore, it has been classified as a Variant of Uncertain Significance.